The following is an entry in ClinVar:

ClinVar aggregate classification (germline): Pathogenic (1 of 4 stars; one submission).

Conditions:
Deficiency of acetyl-CoA acetyltransferase. Also called: 3-KETOTHIOLASE DEFICIENCY; 3-OXOTHIOLASE DEFICIENCY; MITOCHONDRIAL ACETOACETYL-CoA THIOLASE DEFICIENCY; Beta-ketothiolase deficiency. Identifiers: Orphanet 134, MedGen C1536500, MONDO:0008760, OMIM 203750. Disease mechanism: loss of function.

Submission:

Myriad Genetics, Inc.
Classification: Pathogenic for Deficiency of acetyl-CoA acetyltransferase. Last evaluated: 2025-05-19. Review status: criteria provided, single submitter. Criteria: Myriad Autosomal Dominant, Autosomal Recessive and X-Linked Classification Criteria (2023). Collection method: clinical testing. Allele origin: unknown.
Comment: NM_000019.3(ACAT1):c.866dupG(A290Sfs*28) is expected to be pathogenic in the context of beta-ketothiolase deficiency. This variant is predicted to lead to an abnormal or absent protein product due to the creation of a premature termination codon in ACAT1, a gene where loss-of-function variants are known to be pathogenic. Please note: this variant was assessed in the context of healthy population screening.

NM_000019.4(ACAT1):c.866dup (p.Ala290fs)

Gene: ACAT1 (acetyl-CoA acetyltransferase 1; plus strand). Cytogenetic location: 11q22.3.
Variant type: Duplication.
Coding change: c.866dup on transcript NM_000019.4 (MANE Select); coding-DNA position 866, one base duplicated (G; older notation c.866dupG).
Protein change: p.Ala290fs; shifts the reading frame from alanine 290.
Molecular consequence: frameshift variant. On other transcripts: non-coding transcript variant (2).
Genome position (GRCh38, 1-based): chr11:108,142,476, G duplicated; the last of 2 consecutive G bases (chr11:108,142,475-108,142,476); duplicating either gives the same sequence. VCF-style (leftmost placement, unchanged base first): chr11-108142474-T-TG. GRCh37 (hg19) VCF-style: chr11-108013201-T-TG.
Other names: c.866dup, p.Ala290fs (NM_001386677.1); c.551dup, p.Ala185fs (NM_001386678.1); c.569dup, p.Ala191fs (NM_001386679.1); c.596dup, p.Ala200fs (NM_001386681.1, NM_001386682.1, NM_001386685.1 and 6 more transcripts); short protein forms A185fs, A191fs, A200fs, A290fs.
Identifiers: ClinVar variation 5014473 (VCV005014473.1).